The following is an entry in ClinVar:

ClinVar aggregate classification (germline): Uncertain significance (1 of 4 stars; one submission).

Conditions:
Hereditary cancer-predisposing syndrome. Also called: Neoplastic Syndromes, Hereditary; Hereditary Cancer Syndrome; Tumor predisposition; Hereditary neoplastic syndrome. Identifiers: Orphanet 140162, MedGen C0027672, MeSH D009386, MONDO:0015356.

Submission:

Ambry Genetics
Classification: Uncertain significance for Hereditary cancer-predisposing syndrome. Last evaluated: 2025-02-04. Review status: criteria provided, single submitter. Criteria: Ambry Variant Classification Scheme 2023. Collection method: clinical testing. Allele origin: germline.
Comment: The c.4191_4192delCT variant, located in coding exon 33 of the POLE gene, results from a deletion of two nucleotides at nucleotide positions 4191 to 4192, causing a translational frameshift with a predicted alternate stop codon (p.Y1398*). This alteration is expected to result in loss of function by premature protein truncation or nonsense-mediated mRNA decay. Although biallelic loss of function of POLE has been associated with autosomal recessive POLE deficiency, haploinsufficiency of POLE has not been established as a mechanism of disease for POLE-related polymerase proofreading-associated polyposis (PPAP) and POLE-related CMMRD-like syndrome. Based on the supporting evidence, this variant is expected to be causative of POLE deficiency when present along with a second pathogenic variant on the other allele; however, its clinical significance for PPAP and POLE-related CMMRD-like syndrome is unclear.

NM_006231.4(POLE):c.4191_4192del (p.Leu1397_Tyr1398insTer)

Gene: POLE (DNA polymerase epsilon, catalytic subunit; minus strand). Cytogenetic location: 12q24.33.
Variant type: Microsatellite.
Coding change: c.4191_4192del on transcript NM_006231.4 (MANE Select); coding-DNA positions 4191 to 4192, 2 bases deleted (CT; older notation c.4191_4192delCT).
Protein change: p.Leu1397_Tyr1398insTer.
Molecular consequence: frameshift variant.
Genome position (GRCh38, 1-based): chr12:132,643,935-132,643,936, AG deleted on the plus strand (CT on the coding strand, the reverse complement: POLE is on the minus strand); deleting any 2 consecutive bases within chr12:132,643,935-132,643,939 gives the same sequence; the c. name uses the placement nearest the transcript's 3' end. VCF-style (leftmost placement, unchanged base first): chr12-132643934-TAG-T. GRCh37 (hg19) VCF-style: chr12-133220520-TAG-T.
Identifiers: ClinVar variation 3781564 (VCV003781564.1).